The following is an entry in ClinVar:

ClinVar aggregate classification (germline): Conflicting classifications of pathogenicity. Review status: criteria provided, conflicting classifications (1 of 4 stars). 3 submissions from 3 submitters: Pathogenic (1); Likely pathogenic (1); Uncertain significance (1). Last evaluated 2025-11-03.

Conditions:
TMEM67-related disorder. Also called: TMEM67-related condition; TMEM67-related disorders. Identifiers: MedGen CN239423.
Joubert syndrome. Also called: Familial aplasia of the vermis; JOUBERT-BOLTSHAUSER SYNDROME. Identifiers: Orphanet 475, MedGen C5979921, MONDO:0018772.
Meckel-Gruber syndrome. Also called: DYSENCEPHALIA SPLANCHNOCYSTICA; GRUBER SYNDROME; Dysencephalia splachnocystica. Identifiers: Orphanet 564, MedGen C0265215, MONDO:0018921.
Joubert syndrome 6 (JBTS6). Identifiers: Orphanet 475, MedGen C1853153, MONDO:0012539, OMIM 610688.

Allele frequency attached by ClinVar (database versions not stated): gnomAD exomes below 0.00001; TOPMed below 0.00001.
gnomAD v4.1: 1 of 1,606,852 alleles (0.000062%); highest among the groups gnomAD compares: Non-Finnish European, 0.000085%; no homozygotes.

Submissions (3):

PreventionGenetics, part of Exact Sciences
Classification: Likely pathogenic for TMEM67-related condition. Last evaluated: 2025-11-03. Review status: criteria provided, single submitter. Criteria: ACMG Guidelines, 2015. Collection method: clinical testing. Allele origin: germline.
Comment: The TMEM67 c.1674+3A>G variant is predicted to interfere with splicing. This variant is predicted to impact splicing based on one available splicing prediction program (Jaganathan et al. 2019. PubMed ID: 30661751). This variant was reported, in the heterozygous state along with another potential causative variant, in individuals with COACH or Joubert syndromes (Doherty et al. 2010. PubMed ID: 19574260; supplementary data, Bachmann-Gagescu et al. 2015. PubMed ID: 26092869; supplementary data, Fleming et al. 2017. PubMed ID: 29146704; PreventionGenetics, internal data) and was reported in a large cohort of individuals with nephronophthisis (supplementary data, König et al. 2022. PubMed ID: 36090483). In vitro functional evidence indicates that this variant activates a cryptic splice site within intron 26, which generates a stop codon (Doherty et al. 2010. PubMed ID: 19574260). This variant has not been reported in a large population database (gnomAD), indicating this variant is rare. This variant is interpreted as likely pathogenic.

Labcorp Genetics (formerly Invitae), Labcorp
Classification: Uncertain significance for Joubert syndrome; Meckel-Gruber syndrome. Last evaluated: 2023-12-11. Review status: criteria provided, single submitter. Criteria: Invitae Variant Classification Sherloc (09022015). Collection method: clinical testing. Allele origin: germline.
Comment: This sequence change falls in intron 16 of the TMEM67 gene. It does not directly change the encoded amino acid sequence of the TMEM67 protein. It affects a nucleotide within the consensus splice site. This variant is not present in population databases (gnomAD no frequency). This variant has been observed in individual(s) with Joubert syndrome with congenital hepatic fibrosis (PMID: 19574260). ClinVar contains an entry for this variant (Variation ID: 217707). Variants that disrupt the consensus splice site are a relatively common cause of aberrant splicing (PMID: 17576681, 9536098). Algorithms developed to predict the effect of sequence changes on RNA splicing suggest that this variant may disrupt the consensus splice site. In summary, the available evidence is currently insufficient to determine the role of this variant in disease. Therefore, it has been classified as a Variant of Uncertain Significance.

UW Hindbrain Malformation Research Program, University of Washington
Classification: Pathogenic for Joubert syndrome 6. Last evaluated: 2015-02-23. Review status: criteria provided, single submitter. Criteria: Bachmann-Gagescu et al. (J Med Genet. 2015). Collection method: research. Allele origin: unknown. Affected: yes.

Literature cited by the submitters: PubMed 19574260 (cited by Labcorp Genetics (formerly Invitae), Labcorp); PubMed 17576681 (cited by Labcorp Genetics (formerly Invitae), Labcorp); PubMed 9536098 (cited by Labcorp Genetics (formerly Invitae), Labcorp).

NM_153704.6(TMEM67):c.1674+3A>G

Gene: TMEM67 (transmembrane protein 67; plus strand). Cytogenetic location: 8q22.1.
Variant type: single nucleotide variant.
Coding change: c.1674+3A>G on transcript NM_153704.6 (MANE Select); 3 bases into the intron after coding-DNA position 1674, A replaced by G.
Molecular consequence: intron variant.
Genome position (GRCh38, 1-based): chr8:93,793,299, A>G. VCF-style: chr8-93793299-A-G. GRCh37 (hg19) VCF-style: chr8-94805527-A-G.
Other names: c.1431+3A>G (NM_001142301.1).
Identifiers: ClinVar variation 217707 (VCV000217707.5), dbSNP rs863225224, ClinGen allele CA279381.
Genomic context (GRCh38, chr8:93,793,299, plus strand): 5'-TCTTTTGAAGACAGCAGGATGGAAGAGGCGCATTGGGAGTCCCATGATTGATTTACAGGT[A>G]TAATCTCAGGAGTTTTTTAAGAATATTTTTATCTTTTGACCATTCTGGATCCTTCTCATA-3'